The following is an entry in ClinVar:

ClinVar aggregate classification (germline): Pathogenic (1 of 4 stars; one submission).

Conditions:
Osteogenesis imperfecta type I (OI1). Also called: OI, TYPE I; OSTEOGENESIS IMPERFECTA TARDA; OSTEOGENESIS IMPERFECTA WITH BLUE SCLERAE; Osteogenesis imperfecta type 1; Classic Non-deforming Osteogenesis Imperfecta with Blue Sclerae; Lobstein's Disease. Identifiers: Orphanet 216796, Orphanet 666, MedGen C0023931, MONDO:0008146, OMIM 166200. Disease mechanism: loss of function.

Submission:

Labcorp Genetics (formerly Invitae), Labcorp
Classification: Pathogenic for Osteogenesis imperfecta type I. Last evaluated: 2025-02-13. Review status: criteria provided, single submitter. Criteria: Invitae Variant Classification Sherloc (09022015). Collection method: clinical testing. Allele origin: germline.
Comment: This sequence change creates a premature translational stop signal (p.Pro1180Argfs*39) in the COL1A1 gene. It is expected to result in an absent or disrupted protein product. Loss-of-function variants in COL1A1 are known to be pathogenic (PMID: 7942841, 9295084, 9443882). This variant is not present in population databases (gnomAD no frequency). This variant has not been reported in the literature in individuals affected with COL1A1-related conditions. For these reasons, this variant has been classified as Pathogenic.

Literature cited by the submitters: PubMed 7942841; PubMed 9295084; PubMed 9443882.

NM_000088.4(COL1A1):c.3539_3540del (p.Pro1180fs)

Gene: COL1A1 (collagen type I alpha 1 chain; minus strand). Cytogenetic location: 17q21.33.
Variant type: Deletion.
Coding change: c.3539_3540del on transcript NM_000088.4 (MANE Select); coding-DNA positions 3539 to 3540, 2 bases deleted (CC; older notation c.3539_3540delCC).
Protein change: p.Pro1180fs; shifts the reading frame from proline 1180.
Molecular consequence: frameshift variant.
Genome position (GRCh38, 1-based): chr17:50,186,914-50,186,915, GG deleted on the plus strand (CC on the coding strand, the reverse complement: COL1A1 is on the minus strand); deleting any 2 consecutive bases within chr17:50,186,914-50,186,919 gives the same sequence; the c. name uses the placement nearest the transcript's 3' end. VCF-style (leftmost placement, unchanged base first): chr17-50186913-CGG-C. GRCh37 (hg19) VCF-style: chr17-48264274-CGG-C.
Other names: short protein forms P1180fs.
Identifiers: ClinVar variation 4713067 (VCV004713067.1).